The following is an entry in ClinVar:

ClinVar aggregate classification (germline): Likely benign (1 of 4 stars; one submission).

Allele frequency attached by ClinVar (database versions not stated): gnomAD 0.00010; TOPMed 0.00011; 1000 Genomes Project 30x 0.00016; 1000 Genomes Project 0.00020; ESP Exome Variant Server 0.00023; gnomAD exomes 0.00002; ExAC 0.00003.
gnomAD v4.1: 41 of 1,579,458 alleles (0.0026%); highest among the groups gnomAD compares: African/African-American, 0.021%; no homozygotes.

Submission:

CeGaT Center for Human Genetics Tuebingen
Classification: Likely benign. Last evaluated: 2022-09-01. Review status: criteria provided, single submitter. Criteria: CeGaT Center For Human Genetics Tuebingen Variant Classification Criteria Version 2. Collection method: clinical testing. Allele origin: germline. Affected: yes. Observed: 1 variant allele.
Comment: CLMN: BP4, BP7

NM_024734.4(CLMN):c.669G>A (p.Ala223=)

Gene: CLMN (calmin; minus strand). Cytogenetic location: 14q32.13.
Variant type: single nucleotide variant.
Coding change: c.669G>A on transcript NM_024734.4 (MANE Select); coding-DNA position 669, G replaced by A.
Protein change: p.Ala223=; no amino-acid change (alanine 223 retained).
Molecular consequence: synonymous variant.
Genome position (GRCh38, 1-based): chr14:95,210,819, C>T on the plus strand (G>A on the coding strand, the complement: CLMN is on the minus strand). VCF-style: chr14-95210819-C-T. GRCh37 (hg19) VCF-style: chr14-95677156-C-T.
Identifiers: ClinVar variation 2644494 (VCV002644494.24), dbSNP rs150700470, ClinGen allele CA7332373.
Genomic context (GRCh38, chr14:95,210,819, plus strand): 5'-TGTGGAATTTTCCAGGGCCTGTTTCATGTCCACCAGGCTGGGGTCAATGGCCTTGATCAC[C>T]GCCAGGAAAGCCAGCCCACTCCTCCAACTGCCCGCAAAGTCCTGCACCGCCACGCCATAC-3'
Protein context (NP_079010.2, residues 213-233): GSWRSGLAFL[Ala223=]VIKAIDPSLV